The following is an entry in ClinVar:

NM_001164508.2(NEB):c.17113A>G (p.Ser5705Gly)

Gene: NEB (nebulin; minus strand). Cytogenetic location: 2q23.3.
Variant type: single nucleotide variant.
Coding change: c.17113A>G on transcript NM_001164508.2 (MANE Select); coding-DNA position 17113, A replaced by G.
Protein change: p.Ser5705Gly; replaces serine 5705 with glycine.
Molecular consequence: missense variant.
Genome position (GRCh38, 1-based): chr2:151,570,502, T>C on the plus strand (A>G on the coding strand, the complement: NEB is on the minus strand). VCF-style: chr2-151570502-T-C. GRCh37 (hg19) VCF-style: chr2-152427016-T-C.
Other names: c.17113A>G, p.Ser5705Gly (NM_001164507.2, NM_001271208.2); c.12010A>G, p.Ser4004Gly (NM_004543.5); short protein forms S4004G, S5705G.
Identifiers: ClinVar variation 1311189 (VCV001311189.9), dbSNP rs777639198, ClinGen allele CA1908302.

ClinVar aggregate classification (germline): Conflicting classifications of pathogenicity. Review status: criteria provided, conflicting classifications (1 of 4 stars). 2 submissions from 2 submitters: Uncertain significance (1); Likely benign (1). Last evaluated 2025-12-21.

Conditions:
Nemaline myopathy 2 (NEM2). Also called: Nemaline myopathy 2, autosomal recessive. Identifiers: MedGen C1850569, MONDO:0009725, OMIM 256030.

Allele frequency attached by ClinVar (database versions not stated): ExAC 0.00008; gnomAD exomes 0.00004.
gnomAD v4.1: 21 of 1,604,580 alleles (0.0013%); highest among the groups gnomAD compares: South Asian, 0.016%; no homozygotes.

Submissions (2):

Labcorp Genetics (formerly Invitae), Labcorp
Classification: Likely benign for Nemaline myopathy 2. Last evaluated: 2025-12-21. Review status: criteria provided, single submitter. Criteria: Invitae Variant Classification Sherloc (09022015). Collection method: clinical testing. Allele origin: germline.

GeneDx
Classification: Uncertain significance. Last evaluated: 2019-09-16. Review status: criteria provided, single submitter. Criteria: GeneDx Variant Classification Process June 2021. Collection method: clinical testing. Allele origin: germline. Affected: yes.
Comment: In silico analysis, which includes protein predictors and evolutionary conservation, supports a deleterious effect; Has not been previously published as pathogenic or benign to our knowledge